The following is an entry in ClinVar:

NM_020778.5(ALPK3):c.3434G>A (p.Gly1145Glu)

Gene: ALPK3 (alpha kinase 3; plus strand). Cytogenetic location: 15q25.3.
Variant type: single nucleotide variant.
Coding change: c.3434G>A on transcript NM_020778.5 (MANE Select); coding-DNA position 3434, G replaced by A.
Protein change: p.Gly1145Glu; replaces glycine 1145 with glutamic acid.
Molecular consequence: missense variant.
Genome position (GRCh38, 1-based): chr15:84,858,172, G>A. VCF-style: chr15-84858172-G-A. GRCh37 (hg19) VCF-style: chr15-85401403-G-A.
Other names: short protein forms G1145E.
Identifiers: ClinVar variation 3533225 (VCV003533225.1).

ClinVar aggregate classification (germline): Uncertain significance (1 of 4 stars; one submission).

Conditions:
Cardiovascular phenotype. Identifiers: MedGen CN230736.

gnomAD v4.1: 1 of 1,612,022 alleles (0.000062%); highest among the groups gnomAD compares: Non-Finnish European, 0.000085%; no homozygotes.

Submission:

Ambry Genetics
Classification: Uncertain significance for Cardiovascular phenotype. Last evaluated: 2024-10-15. Review status: criteria provided, single submitter. Criteria: Ambry Variant Classification Scheme 2023. Collection method: clinical testing. Allele origin: germline.
Comment: The p.G1347E variant (also known as c.4040G>A), located in coding exon 6 of the ALPK3 gene, results from a G to A substitution at nucleotide position 4040. The glycine at codon 1347 is replaced by glutamic acid, an amino acid with similar properties. This amino acid position is conserved. In addition, this alteration is predicted to be tolerated by in silico analysis. Based on the available evidence, the clinical significance of this variant remains unclear.